The following is an entry in ClinVar:

NM_212482.4(FN1):c.5524G>A (p.Gly1842Arg)

Gene: FN1 (fibronectin 1; minus strand). Cytogenetic location: 2q35.
Variant type: single nucleotide variant.
Coding change: c.5524G>A on transcript NM_212482.4 (MANE Select); coding-DNA position 5524, G replaced by A.
Protein change: p.Gly1842Arg; replaces glycine 1842 with arginine.
Molecular consequence: missense variant.
Genome position (GRCh38, 1-based): chr2:215,379,228, C>T on the plus strand (G>A on the coding strand, the complement: FN1 is on the minus strand). VCF-style: chr2-215379228-C-T. GRCh37 (hg19) VCF-style: chr2-216243951-C-T.
Other names: c.5524G>A, p.Gly1842Arg (NM_001306129.2); c.5254G>A, p.Gly1752Arg (NM_001306130.2, NM_001365517.2, NM_001365519.2 and 2 more transcripts); c.4981G>A, p.Gly1661Arg (NM_001306131.2, NM_001306132.2, NM_001365523.2 and 2 more transcripts); c.5251G>A, p.Gly1751Arg (NM_001365518.2, NM_001365520.2, NM_001365524.2 and 2 more transcripts); short protein forms G1842R, G1661R, G1751R, G1752R.
Identifiers: ClinVar variation 1387419 (VCV001387419.4), dbSNP rs761673575, ClinGen allele CA2094124.

ClinVar aggregate classification (germline): Uncertain significance (1 of 4 stars; one submission).

Allele frequency attached by ClinVar (database versions not stated): gnomAD exomes below 0.00001; ExAC 0.00001.
gnomAD v4.1: 3 of 1,614,086 alleles (0.00019%); highest among the groups gnomAD compares: Admixed American, 0.0033%; no homozygotes.

Submission:

Labcorp Genetics (formerly Invitae), Labcorp
Classification: Uncertain significance. Last evaluated: 2022-06-04. Review status: criteria provided, single submitter. Criteria: Invitae Variant Classification Sherloc (09022015). Collection method: clinical testing. Allele origin: germline.
Comment: In summary, the available evidence is currently insufficient to determine the role of this variant in disease. Therefore, it has been classified as a Variant of Uncertain Significance. Algorithms developed to predict the effect of missense changes on protein structure and function are either unavailable or do not agree on the potential impact of this missense change (SIFT: "Not Available"; PolyPhen-2: "Probably Damaging"; Align-GVGD: "Not Available"). ClinVar contains an entry for this variant (Variation ID: 1387419). This variant has not been reported in the literature in individuals affected with FN1-related conditions. This variant is present in population databases (rs761673575, gnomAD 0.003%). This sequence change replaces glycine, which is neutral and non-polar, with arginine, which is basic and polar, at codon 1842 of the FN1 protein (p.Gly1842Arg).